The following is an entry in ClinVar:

NM_152327.5(AK7):c.1181A>G (p.His394Arg)

Gene: AK7 (adenylate kinase 7; plus strand). Cytogenetic location: 14q32.2.
Variant type: single nucleotide variant.
Coding change: c.1181A>G on transcript NM_152327.5 (MANE Select); coding-DNA position 1181, A replaced by G.
Protein change: p.His394Arg; replaces histidine 394 with arginine.
Molecular consequence: missense variant.
Genome position (GRCh38, 1-based): chr14:96,456,429, A>G. VCF-style: chr14-96456429-A-G. GRCh37 (hg19) VCF-style: chr14-96922766-A-G.
Other names: c.1181A>G, p.His394Arg (NM_001350888.2, NM_001350890.2, NM_001350892.2); c.1103A>G, p.His368Arg (NM_001350891.2); c.1181A>G (NM_152327.3); short protein forms H368R, H394R.
Identifiers: ClinVar variation 2049157 (VCV002049157.6), dbSNP rs114521420, ClinGen allele CA7337766.
Genomic context (GRCh38, chr14:96,456,429, plus strand): 5'-GTCCCCCTGCTGTGGGAAAATCCAGTATTGCTAAAGAATTGGCCAACTACTACAAACTGC[A>G]TCACATCCAACTGAAGGATGTCATTTCTGAAGCCATAGCAAAACTGGTAACACTTTAAAC-3'
Protein context (NP_689540.2, residues 384-404): AKELANYYKL[His394Arg]HIQLKDVISE

ClinVar aggregate classification (germline): Benign. Review status: criteria provided, single submitter (1 of 4 stars). 2 submissions from 2 submitters: Benign (1). 1 of the submissions does not count toward it. Last evaluated 2026-01-27.

Conditions:
AK7-related disorder. Also called: AK7-related condition.

Allele frequency attached by ClinVar (database versions not stated): ESP Exome Variant Server 0.00008; gnomAD exomes 0.00094; gnomAD 0.00149; TOPMed 0.00156; ExAC 0.00272; 1000 Genomes Project 30x 0.00765; 1000 Genomes Project 0.00839.
gnomAD v4.1: 1,650 of 1,614,022 alleles (0.1%); highest among the groups gnomAD compares: East Asian, 3.3%; 27 homozygotes.

Submissions (2):

Labcorp Genetics (formerly Invitae), Labcorp
Classification: Benign. Last evaluated: 2026-01-27. Review status: criteria provided, single submitter. Criteria: Invitae Variant Classification Sherloc (09022015). Collection method: clinical testing. Allele origin: germline.

PreventionGenetics, part of Exact Sciences
Classification: Benign for AK7-related condition. Last evaluated: 2019-06-18. Review status: no assertion criteria provided. Collection method: clinical testing. Allele origin: germline. Not counted in ClinVar's aggregate classification.
Comment: This variant is classified as benign based on ACMG/AMP sequence variant interpretation guidelines (Richards et al. 2015 PMID: 25741868, with internal and published modifications).